The following is an entry in ClinVar:

NM_001330078.2(NRXN1):c.2392C>G (p.Leu798Val)

Gene: NRXN1 (neurexin 1; minus strand). Cytogenetic location: 2p16.3.
Variant type: single nucleotide variant.
Coding change: c.2392C>G on transcript NM_001330078.2 (MANE Select); coding-DNA position 2392, C replaced by G.
Protein change: p.Leu798Val; replaces leucine 798 with valine.
Molecular consequence: missense variant.
Genome position (GRCh38, 1-based): chr2:50,506,600, G>C on the plus strand (C>G on the coding strand, the complement: NRXN1 is on the minus strand). VCF-style: chr2-50506600-G-C. GRCh37 (hg19) VCF-style: chr2-50733738-G-C.
Other names: c.2512C>G, p.Leu838Val (NM_001135659.3); c.2368C>G, p.Leu790Val (NM_001330077.2, NM_001330082.2); c.2326C>G, p.Leu776Val (NM_001330083.2, NM_001330084.2); c.2365C>G, p.Leu789Val (NM_001330085.2); c.2392C>G, p.Leu798Val (NM_001330086.2, NM_004801.6); c.2281C>G, p.Leu761Val (NM_001330087.2, NM_001330096.2); c.2311C>G, p.Leu771Val (NM_001330088.2); c.2389C>G, p.Leu797Val (NM_001330093.2); and 2 more; short protein forms L794V, L798V, L776V, L789V, L761V, L781V, L838V, L771V.
Identifiers: ClinVar variation 1518911 (VCV001518911.8), dbSNP rs1393239626, ClinGen allele CA346778046.

ClinVar aggregate classification (germline): Uncertain significance (1 of 4 stars; one submission).

Conditions:
Pitt-Hopkins-like syndrome 2 (PTHSL2). Identifiers: Orphanet 221150, Orphanet 600663, MedGen C3280479, MONDO:0013690, OMIM 614325.

gnomAD v4.1: 1 of 1,613,328 alleles (0.000062%); highest among the groups gnomAD compares: African/African-American, 0.0013%; no homozygotes.

Submission:

Labcorp Genetics (formerly Invitae), Labcorp
Classification: Uncertain significance for Pitt-Hopkins-like syndrome 2. Last evaluated: 2024-04-10. Review status: criteria provided, single submitter. Criteria: Invitae Variant Classification Sherloc (09022015). Collection method: clinical testing. Allele origin: germline.
Comment: This sequence change replaces leucine, which is neutral and non-polar, with valine, which is neutral and non-polar, at codon 838 of the NRXN1 protein (p.Leu838Val). This variant is not present in population databases (gnomAD no frequency). This variant has not been reported in the literature in individuals affected with NRXN1-related conditions. ClinVar contains an entry for this variant (Variation ID: 1518911). An algorithm developed to predict the effect of missense changes on protein structure and function (PolyPhen-2) suggests that this variant is likely to be tolerated. In summary, the available evidence is currently insufficient to determine the role of this variant in disease. Therefore, it has been classified as a Variant of Uncertain Significance.